The following is an entry in ClinVar:

ClinVar aggregate classification (germline): Uncertain significance (1 of 4 stars; one submission).

Conditions:
Inborn genetic diseases. Identifiers: MedGen C0950123, MeSH D030342.

Submission:

Ambry Genetics
Classification: Uncertain significance for Inborn genetic diseases. Last evaluated: 2023-07-13. Review status: criteria provided, single submitter. Criteria: Ambry Variant Classification Scheme 2023. Collection method: clinical testing. Allele origin: germline.
Comment: The p.L2493V variant (also known as c.7477T>G), located in coding exon 51 of the LRRK2 gene, results from a T to G substitution at nucleotide position 7477. The leucine at codon 2493 is replaced by valine, an amino acid with highly similar properties. This amino acid position is conserved. In addition, this alteration is predicted to be tolerated by in silico analysis. Since supporting evidence is limited at this time, the clinical significance of this alteration remains unclear.

NM_198578.4(LRRK2):c.7477T>G (p.Leu2493Val)

Gene: LRRK2 (leucine rich repeat kinase 2; plus strand). Cytogenetic location: 12q12.
Variant type: single nucleotide variant.
Coding change: c.7477T>G on transcript NM_198578.4 (MANE Select); coding-DNA position 7477, T replaced by G.
Protein change: p.Leu2493Val; replaces leucine 2493 with valine.
Molecular consequence: missense variant.
Genome position (GRCh38, 1-based): chr12:40,367,658, T>G. VCF-style: chr12-40367658-T-G. GRCh37 (hg19) VCF-style: chr12-40761460-T-G.
Other names: short protein forms L2493V.
Identifiers: ClinVar variation 2608858 (VCV002608858.2), dbSNP rs2500065515, ClinGen allele CA384416040.
Genomic context (GRCh38, chr12:40,367,658, plus strand): 5'-TTATGATGGATCTTTGAAACATGATTTCATTTTTTTCTTTTTCTAGAGATACAATCTTGC[T>G]TGACCGTTTGGGACATCAATCTTCCACATGAAGTGCAAAATTTAGAAAAACACATTGAAG-3'
Protein context (NP_940980.4, residues 2483-2503): TQKQKEIQSC[Leu2493Val]TVWDINLPHE